The following is an entry in ClinVar:

NM_016151.4(TAOK2):c.3233G>A (p.Arg1078His)

Gene: TAOK2 (TAO kinase 2; plus strand). Cytogenetic location: 16p11.2.
Variant type: single nucleotide variant.
Coding change: c.3233G>A on transcript NM_016151.4 (MANE Select); coding-DNA position 3233, G replaced by A.
Protein change: p.Arg1078His; replaces arginine 1078 with histidine.
Molecular consequence: missense variant. On other transcripts: intron variant (1).
Genome position (GRCh38, 1-based): chr16:29,987,505, G>A. VCF-style: chr16-29987505-G-A. GRCh37 (hg19) VCF-style: chr16-29998826-G-A.
Other names: c.2894G>A, p.Arg965His (NM_001252043.2); c.2232+1001G>A (NM_004783.4); short protein forms R1078H, R965H.
Identifiers: ClinVar variation 1352057 (VCV001352057.6), dbSNP rs754079189, ClinGen allele CA7998528.

ClinVar aggregate classification (germline): Uncertain significance (1 of 4 stars; one submission).

Allele frequency attached by ClinVar (database versions not stated): ExAC 0.00001; gnomAD 0.00001; gnomAD exomes 0.00001 and 0.00003; TOPMed 0.00004.
gnomAD v4.1: 24 of 1,602,514 alleles (0.0015%); highest among the groups gnomAD compares: Admixed American, 0.012%; no homozygotes.

Submission:

Labcorp Genetics (formerly Invitae), Labcorp
Classification: Uncertain significance. Last evaluated: 2025-02-27. Review status: criteria provided, single submitter. Criteria: Invitae Variant Classification Sherloc (09022015). Collection method: clinical testing. Allele origin: germline.
Comment: This sequence change replaces arginine, which is basic and polar, with histidine, which is basic and polar, at codon 1078 of the TAOK2 protein (p.Arg1078His). This variant is present in population databases (rs754079189, gnomAD 0.01%). This variant has not been reported in the literature in individuals affected with TAOK2-related conditions. ClinVar contains an entry for this variant (Variation ID: 1352057). An algorithm developed to predict the effect of missense changes on protein structure and function (PolyPhen-2) suggests that this variant is likely to be disruptive. In summary, the available evidence is currently insufficient to determine the role of this variant in disease. Therefore, it has been classified as a Variant of Uncertain Significance.